The following is an entry in ClinVar:

ClinVar aggregate classification (germline): Uncertain significance. Review status: criteria provided, multiple submitters, no conflicts (2 of 4 stars). 3 submissions from 3 submitters: Uncertain significance (3). Last evaluated 2024-09-08.

Conditions:
Inborn genetic diseases. Identifiers: MedGen C0950123, MeSH D030342.
Autism spectrum disorder due to AUTS2 deficiency (MRD26). Also called: INTELLECTUAL DEVELOPMENTAL DISORDER, AUTOSOMAL DOMINANT 26. Identifiers: Orphanet 352490, MedGen C4014435, MONDO:0014361, OMIM 615834.

gnomAD v4.1: 2 of 1,612,902 alleles (0.00012%); highest among the groups gnomAD compares: East Asian, 0.0022%; no homozygotes.

Submissions (3):

Labcorp Genetics (formerly Invitae), Labcorp
Classification: Uncertain significance. Last evaluated: 2024-09-08. Review status: criteria provided, single submitter. Criteria: Invitae Variant Classification Sherloc (09022015). Collection method: clinical testing. Allele origin: germline.
Comment: This sequence change replaces arginine, which is basic and polar, with leucine, which is neutral and non-polar, at codon 1145 of the AUTS2 protein (p.Arg1145Leu). This variant is not present in population databases (gnomAD no frequency). This variant has not been reported in the literature in individuals affected with AUTS2-related conditions. ClinVar contains an entry for this variant (Variation ID: 2439427). Invitae Evidence Modeling of protein sequence and biophysical properties (such as structural, functional, and spatial information, amino acid conservation, physicochemical variation, residue mobility, and thermodynamic stability) indicates that this missense variant is expected to disrupt AUTS2 protein function with a positive predictive value of 80%. In summary, the available evidence is currently insufficient to determine the role of this variant in disease. Therefore, it has been classified as a Variant of Uncertain Significance.

Ambry Genetics
Classification: Uncertain significance for Inborn genetic diseases. Last evaluated: 2023-12-12. Review status: criteria provided, single submitter. Criteria: Ambry Variant Classification Scheme 2023. Collection method: clinical testing. Allele origin: germline.

Revvity Omics, Revvity
Classification: Uncertain significance for Autism spectrum disorder due to AUTS2 deficiency. Last evaluated: 2021-04-08. Review status: criteria provided, single submitter. Criteria: ACMG Guidelines, 2015. Collection method: clinical testing. Allele origin: germline.

NM_015570.4(AUTS2):c.3434G>T (p.Arg1145Leu)

Gene: AUTS2 (activator of transcription and developmental regulator AUTS2; plus strand). Cytogenetic location: 7q11.22.
Variant type: single nucleotide variant.
Coding change: c.3434G>T on transcript NM_015570.4 (MANE Select); coding-DNA position 3434, G replaced by T.
Protein change: p.Arg1145Leu; replaces arginine 1145 with leucine.
Molecular consequence: missense variant.
Genome position (GRCh38, 1-based): chr7:70,790,650, G>T. VCF-style: chr7-70790650-G-T. GRCh37 (hg19) VCF-style: chr7-70255636-G-T.
Other names: c.3362G>T, p.Arg1121Leu (NM_001127231.3); c.3434G>T (NM_015570.2); short protein forms R1121L, R1145L.
Identifiers: ClinVar variation 2439427 (VCV002439427.6), dbSNP rs371317370, ClinGen allele CA367666189.